The following is an entry in ClinVar:

NM_005918.4(MDH2):c.591del (p.Ile197fs)

Gene: MDH2 (malate dehydrogenase 2; plus strand). Cytogenetic location: 7q11.23.
Variant type: Deletion.
Coding change: c.591del on transcript NM_005918.4 (MANE Select); coding-DNA position 591, one base deleted (T; older notation c.591delT).
Protein change: p.Ile197fs; shifts the reading frame from isoleucine 197.
Molecular consequence: frameshift variant.
Genome position (GRCh38, 1-based): chr7:76,063,550, T deleted; the last of 2 consecutive T bases (chr7:76,063,549-76,063,550); deleting either gives the same sequence. VCF-style (leftmost placement, unchanged base first): chr7-76063548-AT-A. GRCh37 (hg19) VCF-style: chr7-75692866-AT-A.
Other names: c.465del, p.Ile155fs (NM_001282403.2); c.270del, p.Ile90fs (NM_001282404.2); short protein forms I155fs, I197fs, I90fs.
Identifiers: ClinVar variation 1497026 (VCV001497026.6), dbSNP rs2116696690, ClinGen allele CA2573142353.
Genomic context (GRCh38, chr7:76,063,548, plus strand): 5'-CATCCAGCTTCATACTTTGGTCACCAGGGTTTGGATCCAGCTCGAGTCAACGTCCCTGTC[AT>A]TGGTGGCCATGCTGGGAAGACCATCATCCCCCTGATCTCTCAGGTACACGCATATGACCC-3'

ClinVar aggregate classification (germline): Pathogenic (1 of 4 stars; one submission).

Submission:

Labcorp Genetics (formerly Invitae), Labcorp
Classification: Pathogenic. Last evaluated: 2024-01-24. Review status: criteria provided, single submitter. Criteria: Invitae Variant Classification Sherloc (09022015). Collection method: clinical testing. Allele origin: germline.
Comment: This sequence change creates a premature translational stop signal (p.Ile197Metfs*12) in the MDH2 gene. It is expected to result in an absent or disrupted protein product. Loss-of-function variants in MDH2 are known to be pathogenic (PMID: 27989324). This variant is not present in population databases (gnomAD no frequency). This variant has not been reported in the literature in individuals affected with MDH2-related conditions. ClinVar contains an entry for this variant (Variation ID: 1497026). Algorithms developed to predict the effect of sequence changes on RNA splicing suggest that this variant may disrupt the consensus splice site. For these reasons, this variant has been classified as Pathogenic.

Literature cited by the submitters: PubMed 27989324.